The following is an entry in ClinVar:

NM_021120.4(DLG3):c.232A>C (p.Thr78Pro)

Gene: DLG3 (discs large MAGUK scaffold protein 3; plus strand). Cytogenetic location: Xq13.1.
Variant type: single nucleotide variant.
Coding change: c.232A>C on transcript NM_021120.4 (MANE Select); coding-DNA position 232, A replaced by C.
Protein change: p.Thr78Pro; replaces threonine 78 with proline.
Molecular consequence: missense variant.
Genome position (GRCh38, 1-based): chrX:70,445,433, A>C. VCF-style: chrX-70445433-A-C. GRCh37 (hg19) VCF-style: chrX-69665283-A-C.
Other names: short protein forms T78P.
Identifiers: ClinVar variation 3024740 (VCV003024740.22), dbSNP rs2147765056, ClinGen allele CA413490615.
Genomic context (GRCh38, chrX:70,445,433, plus strand): 5'-ACCTTGCCCTCGCAGGCGGGGGCCACCCCCACCCCTCGCACCAAGGCCAAGCTCATCCCC[A>C]CCGGCCGGGATGTGGGGCCGGTGCCTCCTAAGCCAGTCCCGGGCAAGAGCACCCCCAAAC-3'
Protein context (NP_066943.2, residues 68-88): TPRTKAKLIP[Thr78Pro]GRDVGPVPPK

ClinVar aggregate classification (germline): Uncertain significance (1 of 4 stars; one submission).

Submission:

CeGaT Center for Human Genetics Tuebingen
Classification: Uncertain significance. Last evaluated: 2024-02-01. Review status: criteria provided, single submitter. Criteria: CeGaT Center For Human Genetics Tuebingen Variant Classification Criteria Version 2. Collection method: clinical testing. Allele origin: germline. Affected: yes. Observed: 1 variant allele.
Comment: DLG3: PM2